The following is an entry in ClinVar:

ClinVar aggregate classification (germline): Uncertain significance (1 of 4 stars; one submission).

Submission:

GeneDx
Classification: Uncertain significance. Last evaluated: 2018-04-04. Review status: criteria provided, single submitter. Criteria: GeneDx Variant Classification Process June 2021. Collection method: clinical testing. Allele origin: germline. Affected: yes.
Comment: Not observed in large population cohorts (Lek et al., 2016); In silico analysis, which includes protein predictors and evolutionary conservation, supports a deleterious effect; Has not been previously published as pathogenic or benign to our knowledge

NM_005499.3(UBA2):c.464T>A (p.Val155Glu)

Gene: UBA2 (ubiquitin like modifier activating enzyme 2; plus strand). Cytogenetic location: 19q13.11.
Variant type: single nucleotide variant.
Coding change: c.464T>A on transcript NM_005499.3 (MANE Select); coding-DNA position 464, T replaced by A.
Protein change: p.Val155Glu; replaces valine 155 with glutamic acid.
Molecular consequence: missense variant.
Genome position (GRCh38, 1-based): chr19:34,438,649, T>A. VCF-style: chr19-34438649-T-A. GRCh37 (hg19) VCF-style: chr19-34929554-T-A.
Other names: short protein forms V155E.
Identifiers: ClinVar variation 1303828 (VCV001303828.2), dbSNP rs2145503734, ClinGen allele CA405254577.